The following is an entry in ClinVar:

NM_145868.2(ANXA11):c.844A>G (p.Lys282Glu)

Gene: ANXA11 (annexin A11; minus strand). Cytogenetic location: 10q22.3.
Variant type: single nucleotide variant.
Coding change: c.844A>G on transcript NM_145868.2 (MANE Select); coding-DNA position 844, A replaced by G.
Protein change: p.Lys282Glu; replaces lysine 282 with glutamic acid.
Molecular consequence: missense variant.
Genome position (GRCh38, 1-based): chr10:80,166,098, T>C on the plus strand (A>G on the coding strand, the complement: ANXA11 is on the minus strand). VCF-style: chr10-80166098-T-C. GRCh37 (hg19) VCF-style: chr10-81925854-T-C.
Other names: c.844A>G, p.Lys282Glu (NM_001157.3, NM_001278407.2, NM_001278408.2 and 1 more transcripts); c.745A>G, p.Lys249Glu (NM_001278409.2); short protein forms K282E, K249E.
Identifiers: ClinVar variation 3011105 (VCV003011105.3), dbSNP rs1280800017, ClinGen allele CA377366687.

ClinVar aggregate classification (germline): Uncertain significance (1 of 4 stars; one submission).

Allele frequency attached by ClinVar (database versions not stated): gnomAD exomes below 0.00001.
gnomAD v4.1: 2 of 1,596,044 alleles (0.00013%); highest among the groups gnomAD compares: Non-Finnish European, 0.00017%; no homozygotes.

Submission:

Labcorp Genetics (formerly Invitae), Labcorp
Classification: Uncertain significance. Last evaluated: 2022-11-02. Review status: criteria provided, single submitter. Criteria: Invitae Variant Classification Sherloc (09022015). Collection method: clinical testing. Allele origin: germline.
Comment: In summary, the available evidence is currently insufficient to determine the role of this variant in disease. Therefore, it has been classified as a Variant of Uncertain Significance. Algorithms developed to predict the effect of missense changes on protein structure and function are either unavailable or do not agree on the potential impact of this missense change (SIFT: "Deleterious"; PolyPhen-2: "Benign"; Align-GVGD: "Class C0"). This variant has not been reported in the literature in individuals affected with ANXA11-related conditions. This variant is present in population databases (no rsID available, gnomAD 0.0009%). This sequence change replaces lysine, which is basic and polar, with glutamic acid, which is acidic and polar, at codon 282 of the ANXA11 protein (p.Lys282Glu).